The following is an entry in ClinVar:

NM_000512.5(GALNS):c.89C>T (p.Pro30Leu)

Genes: TRAPPC2L (trafficking protein particle complex subunit 2L; plus strand), GALNS (galactosamine (N-acetyl)-6-sulfatase; minus strand), LOC130059762 (ATAC-STARR-seq lymphoblastoid silent region 7883; plus strand). Cytogenetic location: 16q24.3.
Variant type: single nucleotide variant.
Coding change: c.89C>T on transcript NM_000512.5 (MANE Select); coding-DNA position 89, C replaced by T.
Protein change: p.Pro30Leu; replaces proline 30 with leucine.
Molecular consequence: missense variant. On other transcripts: 5 prime UTR variant (2).
Genome position (GRCh38, 1-based): chr16:88,856,789, G>A on the plus strand (C>T on the coding strand, the complement: GALNS is on the minus strand). VCF-style: chr16-88856789-G-A. GRCh37 (hg19) VCF-style: chr16-88923197-G-A.
Other names: c.-343C>T (NM_001323543.2); c.-64C>T (NM_001323544.2); short protein forms P30L.
Identifiers: ClinVar variation 884934 (VCV000884934.8), dbSNP rs1298604798, ClinGen allele CA397101201.

ClinVar aggregate classification (germline): Uncertain significance. Review status: criteria provided, multiple submitters, no conflicts (2 of 4 stars). 2 submissions from 2 submitters: Uncertain significance (2). Last evaluated 2022-08-08.

Conditions:
Mucopolysaccharidosis, MPS-IV-A (MPS4A). Also called: MPS IVA; Morquio syndrome A, mild; GALACTOSAMINE-6-SULFATASE DEFICIENCY; GALNS DEFICIENCY; MORQUIO A DISEASE; Mucopolysaccharidosis type IV A. Identifiers: Orphanet 309297, Orphanet 582, MedGen C0086651, MONDO:0009659, OMIM 253000.

Allele frequency attached by ClinVar (database versions not stated): gnomAD exomes below 0.00001.
gnomAD v4.1: 4 of 1,543,674 alleles (0.00026%); highest among the groups gnomAD compares: Non-Finnish European, 0.00035%; no homozygotes.

Submissions (2):

Labcorp Genetics (formerly Invitae), Labcorp
Classification: Uncertain significance for Mucopolysaccharidosis, MPS-IV-A. Last evaluated: 2022-08-08. Review status: criteria provided, single submitter. Criteria: Invitae Variant Classification Sherloc (09022015). Collection method: clinical testing. Allele origin: germline.
Comment: In summary, the available evidence is currently insufficient to determine the role of this variant in disease. Therefore, it has been classified as a Variant of Uncertain Significance. Advanced modeling of protein sequence and biophysical properties (such as structural, functional, and spatial information, amino acid conservation, physicochemical variation, residue mobility, and thermodynamic stability) performed at Invitae indicates that this missense variant is expected to disrupt GALNS protein function. ClinVar contains an entry for this variant (Variation ID: 884934). This variant has not been reported in the literature in individuals affected with GALNS-related conditions. The frequency data for this variant in the population databases is considered unreliable, as metrics indicate poor data quality at this position in the gnomAD database. This sequence change replaces proline, which is neutral and non-polar, with leucine, which is neutral and non-polar, at codon 30 of the GALNS protein (p.Pro30Leu).

Illumina Laboratory Services, Illumina
Classification: Uncertain significance for Mucopolysaccharidosis, MPS-IV-A. Last evaluated: 2018-01-13. Review status: criteria provided, single submitter. Criteria: ICSL Variant Classification Criteria 13 December 2019. Collection method: clinical testing. Allele origin: germline.